The following is an entry in ClinVar:

ClinVar aggregate classification (germline): Conflicting classifications of pathogenicity. Review status: criteria provided, conflicting classifications (1 of 4 stars). 3 submissions from 3 submitters: Likely pathogenic (1); Uncertain significance (2). Last evaluated 2025-02-19.

Conditions:
TMEM67-related disorder. Also called: TMEM67-related condition; TMEM67-related disorders. Identifiers: MedGen CN239423.
Meckel-Gruber syndrome. Also called: Dysencephalia splachnocystica; DYSENCEPHALIA SPLANCHNOCYSTICA; GRUBER SYNDROME. Identifiers: Orphanet 564, MedGen C0265215, MONDO:0018921.
Joubert syndrome. Also called: Familial aplasia of the vermis; JOUBERT-BOLTSHAUSER SYNDROME. Identifiers: Orphanet 475, MedGen C5979921, MONDO:0018772.

Submissions (3):

PreventionGenetics, part of Exact Sciences
Classification: Uncertain significance for TMEM67-related condition. Last evaluated: 2025-02-19. Review status: criteria provided, single submitter. Criteria: ACMG Guidelines, 2015. Collection method: clinical testing. Allele origin: germline.
Comment: The TMEM67 c.2140_2142delTCT variant is predicted to result in an in-frame deletion (p.Ser715del). This variant was reported along with a premature termination variant in an individual with Joubert syndrome (Table S2, Summers et al. 2017. PubMed ID: 28497568). This variant is reported in 0.0062% of alleles in individuals of African descent in gnomAD. Although we suspect that this variant may be pathogenic, at this time, the clinical significance of this variant is uncertain due to the absence of conclusive functional and genetic evidence.

GeneDx
Classification: Likely pathogenic. Last evaluated: 2024-01-03. Review status: criteria provided, single submitter. Criteria: GeneDx Variant Classification Process June 2021. Collection method: clinical testing. Allele origin: germline. Affected: yes.
Comment: Not observed at significant frequency in large population cohorts (gnomAD); In-frame deletion of 1 amino acid in a non-repeat region; In silico analysis supports a deleterious effect on protein structure/function; This variant is associated with the following publications: (PMID: 28497568, 29146704)

Labcorp Genetics (formerly Invitae), Labcorp
Classification: Uncertain significance for Joubert syndrome; Meckel-Gruber syndrome. Last evaluated: 2023-05-24. Review status: criteria provided, single submitter. Criteria: Invitae Variant Classification Sherloc (09022015). Collection method: clinical testing. Allele origin: germline.
Comment: In summary, the available evidence is currently insufficient to determine the role of this variant in disease. Therefore, it has been classified as a Variant of Uncertain Significance. Experimental studies and prediction algorithms are not available or were not evaluated, and the functional significance of this variant is currently unknown. This variant has been observed in individual(s) with clinical features of TMEM67-related conditions and/or Joubert syndrome (PMID: 28497568; Invitae). This variant is present in population databases (rs775266788, gnomAD 0.007%). This variant, c.2140_2142del, results in the deletion of 1 amino acid(s) of the TMEM67 protein (p.Ser715del), but otherwise preserves the integrity of the reading frame.

Literature cited by the submitters: PubMed 28497568 (cited by Labcorp Genetics (formerly Invitae), Labcorp).

NM_153704.6(TMEM67):c.2137TCT[1] (p.Ser715del)

Gene: TMEM67 (transmembrane protein 67; plus strand). Cytogenetic location: 8q22.1.
Variant type: Microsatellite.
Coding change: c.2137TCT[1] on transcript NM_153704.6 (MANE Select); one copy of the 3-base unit TCT starting at c.2137; the reference has two copies in a row; one copy, 3 bases deleted; also written c.2140_2142del.
Protein change: p.Ser715del; deletes serine 715.
Molecular consequence: inframe deletion. On other transcripts: inframe indel (1), non-coding transcript variant (1).
Genome position (GRCh38, 1-based): chr8:93,799,657-93,799,659, TCT deleted; deleting any 3 consecutive bases within chr8:93,799,654-93,799,659 gives the same sequence; the position shown is the placement nearest the transcript's 3' end. VCF-style (leftmost placement, unchanged base first): chr8-93799653-ATCT-A. GRCh37 (hg19) VCF-style: chr8-94811881-ATCT-A.
Other names: c.1894TCT[1], p.Ser634del (NM_001142301.1); c.2137_2139TCT[1], p.Ser715del (NM_153704.5); c.2140_2142delTCT (NM_153704.5); c.2140_2142del (NM_153704.5); short protein forms S634del, S715del.
Identifiers: ClinVar variation 2925440 (VCV002925440.5), dbSNP rs775266788, ClinGen allele CA4808211.